The following is an entry in ClinVar:

ClinVar aggregate classification (germline): Pathogenic (1 of 4 stars; one submission).

Submission:

Labcorp Genetics (formerly Invitae), Labcorp
Classification: Pathogenic. Last evaluated: 2021-12-17. Review status: criteria provided, single submitter. Criteria: Invitae Variant Classification Sherloc (09022015). Collection method: clinical testing. Allele origin: germline.
Comment: For these reasons, this variant has been classified as Pathogenic. This variant has not been reported in the literature in individuals affected with USH2A-related conditions. This variant is not present in population databases (gnomAD no frequency). This sequence change creates a premature translational stop signal (p.Leu2776*) in the USH2A gene. It is expected to result in an absent or disrupted protein product. Loss-of-function variants in USH2A are known to be pathogenic (PMID: 10729113, 10909849, 20507924, 25649381).

Literature cited by the submitters: PubMed 10729113; PubMed 10909849; PubMed 20507924; PubMed 25649381.

NM_206933.4(USH2A):c.8327T>G (p.Leu2776Ter)

Gene: USH2A (usherin; minus strand). Cytogenetic location: 1q41.
Variant type: single nucleotide variant.
Coding change: c.8327T>G on transcript NM_206933.4 (MANE Select); coding-DNA position 8327, T replaced by G.
Protein change: p.Leu2776Ter; replaces leucine 2776 with a stop codon.
Molecular consequence: nonsense.
Genome position (GRCh38, 1-based): chr1:215,878,995, A>C on the plus strand (T>G on the coding strand, the complement: USH2A is on the minus strand). VCF-style: chr1-215878995-A-C. GRCh37 (hg19) VCF-style: chr1-216052337-A-C.
Other names: short protein forms L2776*.
Identifiers: ClinVar variation 2044718 (VCV002044718.4), dbSNP rs2464717412, ClinGen allele CA344832067.